The following is an entry in ClinVar:

NM_000535.7(PMS2):c.2110G>T (p.Asp704Tyr)

Gene: PMS2 (PMS1 homolog 2, mismatch repair system component; minus strand). Cytogenetic location: 7p22.1.
Variant type: single nucleotide variant.
Coding change: c.2110G>T on transcript NM_000535.7 (MANE Select); coding-DNA position 2110, G replaced by T.
Protein change: p.Asp704Tyr; replaces aspartic acid 704 with tyrosine.
Molecular consequence: missense variant. On other transcripts: non-coding transcript variant (1).
Genome position (GRCh38, 1-based): chr7:5,982,888, C>A on the plus strand (G>T on the coding strand, the complement: PMS2 is on the minus strand). VCF-style: chr7-5982888-C-A. GRCh37 (hg19) VCF-style: chr7-6022519-C-A.
Other names: c.1705G>T, p.Asp569Tyr (NM_001018040.1, NM_001322003.2, NM_001322004.2 and 15 more transcripts); c.1954G>T, p.Asp652Tyr (NM_001322006.2, NM_001406870.1); c.1792G>T, p.Asp598Tyr (NM_001322007.2, NM_001322008.2, NM_001406876.1 and 1 more transcripts); c.1549G>T, p.Asp517Tyr (NM_001322010.2, NM_001406906.1, NM_001406907.1); c.1177G>T, p.Asp393Tyr (NM_001322011.2, NM_001322012.2); c.1537G>T, p.Asp513Tyr (NM_001322013.2, NM_001406909.1); c.2110G>T, p.Asp704Tyr (NM_001322014.2, NM_001406871.1); c.1801G>T, p.Asp601Tyr (NM_001322015.2, NM_001406875.1, NM_001406877.1 and 5 more transcripts); and 13 more; short protein forms D533Y, D546Y, D582Y, D596Y, D601Y, D652Y, D704Y, D447Y.
Identifiers: ClinVar variation 1786112 (VCV001786112.7), dbSNP rs2128703272, ClinGen allele CA366737979.

ClinVar aggregate classification (germline): Uncertain significance. Review status: criteria provided, multiple submitters, no conflicts (2 of 4 stars). 2 submissions from 2 submitters: Uncertain significance (2). Last evaluated 2022-04-04.

Conditions:
Hereditary nonpolyposis colorectal neoplasms. Identifiers: MedGen C0009405, MeSH D003123.
Hereditary cancer-predisposing syndrome. Also called: Neoplastic Syndromes, Hereditary; Tumor predisposition; Hereditary Cancer Syndrome; Hereditary neoplastic syndrome. Identifiers: Orphanet 140162, MedGen C0027672, MeSH D009386, MONDO:0015356.

Submissions (2):

Labcorp Genetics (formerly Invitae), Labcorp
Classification: Uncertain significance for Hereditary nonpolyposis colorectal neoplasms. Last evaluated: 2022-04-04. Review status: criteria provided, single submitter. Criteria: Invitae Variant Classification Sherloc (09022015). Collection method: clinical testing. Allele origin: germline.
Comment: Algorithms developed to predict the effect of missense changes on protein structure and function (SIFT, PolyPhen-2, Align-GVGD) all suggest that this variant is likely to be disruptive. In summary, the available evidence is currently insufficient to determine the role of this variant in disease. Therefore, it has been classified as a Variant of Uncertain Significance. This variant has not been reported in the literature in individuals affected with PMS2-related conditions. The frequency data for this variant in the population databases (gnomAD) is considered unreliable due to the presence of homologous sequence, such as pseudogenes or paralogs, in the genome. This sequence change replaces aspartic acid, which is acidic and polar, with tyrosine, which is neutral and polar, at codon 704 of the PMS2 protein (p.Asp704Tyr).

Ambry Genetics
Classification: Uncertain significance for Hereditary cancer-predisposing syndrome. Last evaluated: 2018-10-19. Review status: criteria provided, single submitter. Criteria: Ambry Variant Classification Scheme 2023. Collection method: clinical testing. Allele origin: germline.
Comment: The p.D704Y variant (also known as c.2110G>T), located in coding exon 12 of the PMS2 gene, results from a G to T substitution at nucleotide position 2110. The aspartic acid at codon 704 is replaced by tyrosine, an amino acid with highly dissimilar properties. This amino acid position is highly conserved in available vertebrate species. In addition, this alteration is predicted to be deleterious by in silico analysis. Since supporting evidence is limited at this time, the clinical significance of this alteration remains unclear.